The following is an entry in ClinVar:

NM_006031.6(PCNT):c.3167G>A (p.Gly1056Asp)

Gene: PCNT (pericentrin; plus strand). Cytogenetic location: 21q22.3.
Variant type: single nucleotide variant.
Coding change: c.3167G>A on transcript NM_006031.6 (MANE Select); coding-DNA position 3167, G replaced by A.
Protein change: p.Gly1056Asp; replaces glycine 1056 with aspartic acid.
Molecular consequence: missense variant.
Genome position (GRCh38, 1-based): chr21:46,381,695, G>A. VCF-style: chr21-46381695-G-A. GRCh37 (hg19) VCF-style: chr21-47801610-G-A.
Other names: c.2813G>A, p.Gly938Asp (NM_001315529.2); short protein forms G938D, G1056D.
Identifiers: ClinVar variation 2368226 (VCV002368226.4), dbSNP rs143253402, ClinGen allele CA10079210.
Genomic context (GRCh38, chr21:46,381,695, plus strand): 5'-CAGCAAAGAAAGTATTTTTCTAGCTTACTGGTATTTTTTATTGTTATTGATGTGTACAGG[G>A]TGAATTTGGAAGTGAAAAGAAAACTGCTTTGCATGAAAAAGAGGAGACACTTCGGCTTCA-3'
Protein context (NP_006022.3, residues 1046-1066): VAHELQGVHQ[Gly1056Asp]EFGSEKKTAL

ClinVar aggregate classification (germline): Uncertain significance. Review status: criteria provided, multiple submitters, no conflicts (2 of 4 stars). 2 submissions from 2 submitters: Uncertain significance (2). Last evaluated 2025-04-06.

Conditions:
PCNT-related disorder. Also called: PCNT-related condition.
Inborn genetic diseases. Identifiers: MedGen C0950123, MeSH D030342.

Allele frequency attached by ClinVar (database versions not stated): gnomAD 0.00004; ESP Exome Variant Server 0.00008; 1000 Genomes Project 30x 0.00016; 1000 Genomes Project 0.00020; ExAC 0.00006; TOPMed 0.00005.
gnomAD v4.1: 67 of 1,613,368 alleles (0.0042%); highest among the groups gnomAD compares: East Asian, 0.13%; no homozygotes.

Submissions (2):

Ambry Genetics
Classification: Uncertain significance for Inborn genetic diseases. Last evaluated: 2025-04-06. Review status: criteria provided, single submitter. Criteria: Ambry Variant Classification Scheme 2023. Collection method: clinical testing. Allele origin: germline.

PreventionGenetics, part of Exact Sciences
Classification: Uncertain significance for PCNT-related condition. Last evaluated: 2023-03-12. Review status: criteria provided, single submitter. Criteria: ACMG Guidelines, 2015. Collection method: clinical testing. Allele origin: germline.
Comment: The PCNT c.3167G>A variant is predicted to result in the amino acid substitution p.Gly1056Asp. To our knowledge, this variant has not been reported in the literature. This variant is reported in 0.11% of alleles in individuals of East Asian descent in gnomAD, which may be too common to be an unreported primary cause of disease. Although we suspect that this variant may be benign, at this time, the clinical significance of this variant is uncertain due to the absence of conclusive functional and genetic evidence.